The following is an entry in ClinVar:

ClinVar aggregate classification (germline): Uncertain significance (1 of 4 stars; one submission).

Conditions:
SCLT1-related disorder. Also called: SCLT1-related condition.

Submission:

PreventionGenetics, part of Exact Sciences
Classification: Uncertain significance for SCLT1-related condition. Last evaluated: 2024-12-29. Review status: criteria provided, single submitter. Criteria: ACMG Guidelines, 2015. Collection method: clinical testing. Allele origin: germline.
Comment: The SCLT1 c.589C>T variant is predicted to result in the amino acid substitution p.His197Tyr. To our knowledge, this variant has not been reported in the literature or in a large population database (gnomAD), indicating this variant is rare. At this time, the clinical significance of this variant is uncertain due to the absence of conclusive functional and genetic evidence.

NM_144643.4(SCLT1):c.589C>T (p.His197Tyr)

Gene: SCLT1 (sodium channel and clathrin linker 1; minus strand). Cytogenetic location: 4q28.2.
Variant type: single nucleotide variant.
Coding change: c.589C>T on transcript NM_144643.4 (MANE Select); coding-DNA position 589, C replaced by T.
Protein change: p.His197Tyr; replaces histidine 197 with tyrosine.
Molecular consequence: missense variant.
Genome position (GRCh38, 1-based): chr4:128,997,900, G>A on the plus strand (C>T on the coding strand, the complement: SCLT1 is on the minus strand). VCF-style: chr4-128997900-G-A. GRCh37 (hg19) VCF-style: chr4-129919055-G-A.
Other names: c.589C>T, p.His197Tyr (NM_001410807.1); short protein forms H197Y.
Identifiers: ClinVar variation 4999485 (VCV004999485.1).
Genomic context (GRCh38, chr4:128,997,900, plus strand): 5'-ACAATTTCTAGTTTATATAAATAAGTATACTTACCACTTCCATGTTCTCATTAGTAACAT[G>A]AAGTTGTTTGGTCAGTTGTTGAAAATCAAATAGCTGATCCTACAGTGGGAAGGTAAGGGG-3'
Protein context (NP_653244.2, residues 187-207): FDFQQLTKQL[His197Tyr]VTNENMEVTN